The following is an entry in ClinVar:

NM_001267550.2(TTN):c.79518T>C (p.Leu26506=)

Genes: TTN-AS1 (TTN antisense RNA 1; plus strand), TTN (titin; minus strand). Cytogenetic location: 2q31.2.
Variant type: single nucleotide variant.
Coding change: c.79518T>C on transcript NM_001267550.2 (MANE Select); coding-DNA position 79518, T replaced by C.
Protein change: p.Leu26506=; no amino-acid change (leucine 26506 retained).
Molecular consequence: synonymous variant.
Genome position (GRCh38, 1-based): chr2:178,566,614, A>G on the plus strand (T>C on the coding strand, the complement: TTN is on the minus strand). VCF-style: chr2-178566614-A-G. GRCh37 (hg19) VCF-style: chr2-179431341-A-G.
Other names: c.74595T>C, p.Leu24865= (NM_001256850.1); c.52323T>C, p.Leu17441= (NM_003319.4); c.52698T>C, p.Leu17566= (NM_133432.3); c.52899T>C, p.Leu17633= (NM_133437.4); c.71814T>C, p.Leu23938= (NM_133378.4).
Identifiers: ClinVar variation 47378 (VCV000047378.16), dbSNP rs367608273, ClinGen allele CA140839.

ClinVar aggregate classification (germline): Likely benign. Review status: criteria provided, multiple submitters, no conflicts (2 of 4 stars). 2 submissions from 2 submitters: Likely benign (2). Last evaluated 2025-10-18.

Conditions:
Dilated cardiomyopathy 1G (CMD1G). Identifiers: Orphanet 154, MedGen C1858763, MONDO:0011400, OMIM 604145.
Autosomal recessive limb-girdle muscular dystrophy type 2J (LGMDR10). Also called: Limb-girdle muscular dystrophy, type 2J; MUSCULAR DYSTROPHY, LIMB-GIRDLE, AUTOSOMAL RECESSIVE 10. Identifiers: Orphanet 140922, MedGen C1837342, MONDO:0012127, OMIM 608807.

Allele frequency attached by ClinVar (database versions not stated): gnomAD exomes below 0.00001 and 0.00001; gnomAD 0.00001; ExAC 0.00002; TOPMed 0.00003; ESP Exome Variant Server 0.00008.
gnomAD v4.1: 6 of 1,612,424 alleles (0.00037%); highest among the groups gnomAD compares: African/African-American, 0.008%; no homozygotes.

Submissions (2):

Labcorp Genetics (formerly Invitae), Labcorp
Classification: Likely benign for Dilated cardiomyopathy 1G; Autosomal recessive limb-girdle muscular dystrophy type 2J. Last evaluated: 2025-10-18. Review status: criteria provided, single submitter. Criteria: Invitae Variant Classification Sherloc (09022015). Collection method: clinical testing. Allele origin: germline.

Laboratory for Molecular Medicine, Mass General Brigham Personalized Medicine
Classification: Likely benign. Last evaluated: 2012-04-18. Review status: criteria provided, single submitter. Criteria: LMM Criteria. Collection method: clinical testing. Allele origin: germline. Observed: 1 variant allele.
Comment: Leu23938Leu in Exon 275 of TTN: This variant is not expected to have clinical si gnificance because it does not alter an amino acid residue, is not located withi n the splice consensus sequence. It has been identified in 1/3042 African Americ an chromosomes from a broad population by the NHLBI Exome Sequencing Project. Leu23938Leu in Exon 275 of TTN (allele freque ncy = 0.03%, 1/3042) **